The following is an entry in ClinVar:

ClinVar aggregate classification (germline): Uncertain significance (1 of 4 stars; one submission).

Submission:

Labcorp Genetics (formerly Invitae), Labcorp
Classification: Uncertain significance. Last evaluated: 2021-11-02. Review status: criteria provided, single submitter. Criteria: Invitae Variant Classification Sherloc (09022015). Collection method: clinical testing. Allele origin: germline.
Comment: In summary, the available evidence is currently insufficient to determine the role of this variant in disease. Therefore, it has been classified as a Variant of Uncertain Significance. Algorithms developed to predict the effect of missense changes on protein structure and function output the following: SIFT: "Tolerated"; PolyPhen-2: "Benign"; Align-GVGD: "Class C0". The serine amino acid residue is found in multiple mammalian species, which suggests that this missense change does not adversely affect protein function. This variant has not been reported in the literature in individuals affected with EYS-related conditions. This variant is not present in population databases (gnomAD no frequency). This sequence change replaces proline, which is neutral and non-polar, with serine, which is neutral and polar, at codon 1318 of the EYS protein (p.Pro1318Ser).

NM_001142800.2(EYS):c.3952C>T (p.Pro1318Ser)

Gene: EYS (EGF-like photoreceptor maintenance factor; minus strand). Cytogenetic location: 6q12.
Variant type: single nucleotide variant.
Coding change: c.3952C>T on transcript NM_001142800.2 (MANE Select); coding-DNA position 3952, C replaced by T.
Protein change: p.Pro1318Ser; replaces proline 1318 with serine.
Molecular consequence: missense variant.
Genome position (GRCh38, 1-based): chr6:64,591,915, G>A on the plus strand (C>T on the coding strand, the complement: EYS is on the minus strand). VCF-style: chr6-64591915-G-A. GRCh37 (hg19) VCF-style: chr6-65301808-G-A.
Other names: c.3952C>T, p.Pro1318Ser (NM_001292009.2); short protein forms P1318S.
Identifiers: ClinVar variation 1469952 (VCV001469952.6), dbSNP rs1412164023, ClinGen allele CA364784361.